The following is an entry in ClinVar:

ClinVar aggregate classification (germline): Uncertain significance. Review status: criteria provided, multiple submitters, no conflicts (2 of 4 stars). 5 submissions from 5 submitters: Uncertain significance (5). Last evaluated 2026-06-23.

Conditions:
FGFR3-related chondrodysplasia. Identifiers: Orphanet 93420, MedGen C5681604, MONDO:0019685.
FGFR3-related disorder. Also called: FGFR3-related disorders.

Allele frequency attached by ClinVar (database versions not stated): gnomAD 0.00001 and 0.00003; TOPMed 0.00001; gnomAD exomes 0.00002 and 0.00003; ExAC 0.00004; 1000 Genomes Project 30x 0.00031; 1000 Genomes Project 0.00040.

Submissions (5):

Genomenon, Inc
Classification: Uncertain significance for FGFR3-related chondrodysplasia. Last evaluated: 2026-06-23. Review status: criteria provided, single submitter. Criteria: Genomenon Sequence Variant Interpretation Standards - Updated. Collection method: curation. Allele origin: germline. Affected: no.
Comment: FGFR3 p.Ala734Val (c.2201C>T) is a missense variant that changes the amino acid at codon 734 from Alanine to Valine. This variant has been reported in the published literature (PMID:38737102). It is absent or not present at a significant frequency in gnomAD. In silico models predict that this variant is not damaging. In conclusion, we classify FGFR3 p.Ala734Val (c.2201C>T) as a variant of uncertain significance.

PreventionGenetics, part of Exact Sciences
Classification: Uncertain significance for FGFR3-related condition. Last evaluated: 2024-12-09. Review status: criteria provided, single submitter. Criteria: ACMG Guidelines, 2015. Collection method: clinical testing. Allele origin: germline.
Comment: The FGFR3 c.2201C>T variant is predicted to result in the amino acid substitution p.Ala734Val. To our knowledge, this variant has not been reported in the literature. This variant is reported in 0.0097% of alleles in individuals of European (Finnish) descent in gnomAD. At this time, the clinical significance of this variant is uncertain due to the absence of conclusive functional and genetic evidence.

Blueprint Genetics
Classification: Uncertain significance. Last evaluated: 2024-11-08. Review status: criteria provided, single submitter. Criteria: ACMG Guidelines, 2015. Collection method: clinical testing. Allele origin: germline.

Labcorp Genetics (formerly Invitae), Labcorp
Classification: Uncertain significance. Last evaluated: 2024-05-26. Review status: criteria provided, single submitter. Criteria: Invitae Variant Classification Sherloc (09022015). Collection method: clinical testing. Allele origin: germline.
Comment: This sequence change replaces alanine, which is neutral and non-polar, with valine, which is neutral and non-polar, at codon 734 of the FGFR3 protein (p.Ala734Val). This variant is present in population databases (rs555257146, gnomAD 0.009%). This variant has not been reported in the literature in individuals affected with FGFR3-related conditions. ClinVar contains an entry for this variant (Variation ID: 594569). Advanced modeling of protein sequence and biophysical properties (such as structural, functional, and spatial information, amino acid conservation, physicochemical variation, residue mobility, and thermodynamic stability) performed at Invitae indicates that this missense variant is not expected to disrupt FGFR3 protein function with a negative predictive value of 95%. In summary, the available evidence is currently insufficient to determine the role of this variant in disease. Therefore, it has been classified as a Variant of Uncertain Significance.

Eurofins Ntd Llc (ga)
Classification: Uncertain significance. Last evaluated: 2017-11-02. Review status: criteria provided, single submitter. Criteria: EGL Classification Definitions 2015. Collection method: clinical testing. Allele origin: germline. Observed: 1 variant allele, 1 heterozygote.

Literature cited by the submitters: PubMed 38737102 (cited by Genomenon, Inc).

NM_000142.5(FGFR3):c.2201C>T (p.Ala734Val)

Gene: FGFR3 (fibroblast growth factor receptor 3; plus strand). Cytogenetic location: 4p16.3.
Variant type: single nucleotide variant.
Coding change: c.2201C>T on transcript NM_000142.5 (MANE Select); coding-DNA position 2201, C replaced by T.
Protein change: p.Ala734Val; replaces alanine 734 with valine.
Molecular consequence: missense variant. On other transcripts: synonymous variant (1), non-coding transcript variant (1).
Genome position (GRCh38, 1-based): chr4:1,806,861, C>T. VCF-style: chr4-1806861-C-T. GRCh37 (hg19) VCF-style: chr4-1808588-C-T.
Other names: c.2207C>T, p.Ala736Val (NM_001163213.2); c.2204C>T, p.Ala735Val (NM_001354809.2); c.2133C>T, p.Arg711= (NM_001354810.2); c.1865C>T, p.Ala622Val (NM_022965.4); c.2201C>T (NM_000142.4); short protein forms A736V, A734V, A622V, A735V.
Identifiers: ClinVar variation 594569 (VCV000594569.13), dbSNP rs555257146, ClinGen allele CA2810773.
Genomic context (GRCh38, chr4:1,806,861, plus strand): 5'-GGCTCACTCCTGAGCGCCCTGCCCGCAGGTACATGATCATGCGGGAGTGCTGGCATGCCG[C>T]GCCCTCCCAGAGGCCCACCTTCAAGCAGCTGGTGGAGGACCTGGACCGTGTCCTTACCGT-3'
Protein context (NP_000133.1, residues 724-744): YMIMRECWHA[Ala734Val]PSQRPTFKQL